The following is an entry in ClinVar:

ClinVar aggregate classification (germline): Likely benign (0 of 4 stars; one submission).

Conditions:
MGP-related disorder. Also called: MGP-related condition.

Submission:

PreventionGenetics, part of Exact Sciences
Classification: Likely benign for MGP-related condition. Last evaluated: 2024-08-07. Review status: no assertion criteria provided. Collection method: clinical testing. Allele origin: germline.
Comment: This variant is classified as likely benign based on ACMG/AMP sequence variant interpretation guidelines (Richards et al. 2015 PMID: 25741868, with internal and published modifications).

NM_000900.5(MGP):c.62-558C>G

Gene: MGP (matrix Gla protein; minus strand). Cytogenetic location: 12p12.3.
Variant type: single nucleotide variant.
Coding change: c.62-558C>G on transcript NM_000900.5 (MANE Select); 558 bases into the intron before coding-DNA position 62, C replaced by G.
Molecular consequence: intron variant.
Genome position (GRCh38, 1-based): chr12:14,884,803, G>C on the plus strand (C>G on the coding strand, the complement: MGP is on the minus strand). VCF-style: chr12-14884803-G-C. GRCh37 (hg19) VCF-style: chr12-15037737-G-C.
Other names: c.136+10C>G (NM_001190839.3).
Identifiers: ClinVar variation 3345488 (VCV003345488.1).